The following is an entry in ClinVar:

NM_024408.4(NOTCH2):c.3913G>A (p.Val1305Ile)

Gene: NOTCH2 (notch receptor 2; minus strand). Cytogenetic location: 1p12.
Variant type: single nucleotide variant.
Coding change: c.3913G>A on transcript NM_024408.4 (MANE Select); coding-DNA position 3913, G replaced by A.
Protein change: p.Val1305Ile; replaces valine 1305 with isoleucine.
Molecular consequence: missense variant.
Genome position (GRCh38, 1-based): chr1:119,926,591, C>T on the plus strand (G>A on the coding strand, the complement: NOTCH2 is on the minus strand). VCF-style: chr1-119926591-C-T. GRCh37 (hg19) VCF-style: chr1-120469214-C-T.
Other names: c.3913G>A (NM_024408.3); short protein forms V1305I.
Identifiers: ClinVar variation 806201 (VCV000806201.52), dbSNP rs587688280, ClinGen allele CA1039942.

ClinVar aggregate classification (germline): Likely benign. Review status: criteria provided, multiple submitters, no conflicts (2 of 4 stars). 5 submissions from 5 submitters: Likely benign (5). Last evaluated 2025-12-22.

Conditions:
NOTCH2-related disorder. Also called: NOTCH2-related condition.
Inborn genetic diseases. Identifiers: MedGen C0950123, MeSH D030342.
Hajdu-Cheney syndrome (HJCYS). Also called: Acroosteolysis dominant type; ACROOSTEOLYSIS WITH OSTEOPOROSIS AND CHANGES IN SKULL AND MANDIBLE; SERPENTINE FIBULA-POLYCYSTIC KIDNEY SYNDROME. Identifiers: Orphanet 955, MedGen C0917715, MONDO:0007057, OMIM 102500.

Allele frequency attached by ClinVar (database versions not stated): ExAC 0.00010; gnomAD 0.00017 and 0.00018; TOPMed 0.00038; 1000 Genomes Project 30x 0.00078; 1000 Genomes Project 0.00080.
gnomAD v4.1: 95 of 1,608,284 alleles (0.0059%); highest among the groups gnomAD compares: Admixed American, 0.042%; 1 homozygote.

Submissions (5):

Labcorp Genetics (formerly Invitae), Labcorp
Classification: Likely benign for Hajdu-Cheney syndrome. Last evaluated: 2025-12-22. Review status: criteria provided, single submitter. Criteria: Invitae Variant Classification Sherloc (09022015). Collection method: clinical testing. Allele origin: germline.

PreventionGenetics, part of Exact Sciences
Classification: Likely benign for NOTCH2-related condition. Last evaluated: 2025-01-14. Review status: criteria provided, single submitter. Criteria: ACMG Guidelines, 2015. Collection method: clinical testing. Allele origin: germline.
Comment: This variant is classified as likely benign based on ACMG/AMP sequence variant interpretation guidelines (Richards et al. 2015 PMID: 25741868, with internal and published modifications).

Blueprint Genetics
Classification: Likely benign. Last evaluated: 2024-11-11. Review status: criteria provided, single submitter. Criteria: ACMG Guidelines, 2015. Collection method: clinical testing. Allele origin: germline.

CeGaT Center for Human Genetics Tuebingen
Classification: Likely benign. Last evaluated: 2023-10-01. Review status: criteria provided, single submitter. Criteria: CeGaT Center For Human Genetics Tuebingen Variant Classification Criteria Version 2. Collection method: clinical testing. Allele origin: germline. Affected: yes. Observed: 2 variant alleles.
Comment: NOTCH2: BP4

Ambry Genetics
Classification: Likely benign for Inborn genetic diseases. Last evaluated: 2023-01-31. Review status: criteria provided, single submitter. Criteria: Ambry Variant Classification Scheme 2023. Collection method: clinical testing. Allele origin: germline.